The following is an entry in ClinVar:

NM_001166108.2(PALLD):c.2128C>G (p.Arg710Gly)

Genes: CBR4 (carbonyl reductase 4; minus strand), PALLD (palladin, cytoskeletal associated protein; plus strand). Cytogenetic location: 4q32.3.
Variant type: single nucleotide variant.
Coding change: c.2128C>G on transcript NM_001166108.2 (MANE Select); coding-DNA position 2128, C replaced by G.
Protein change: p.Arg710Gly; replaces arginine 710 with glycine.
Molecular consequence: missense variant.
Genome position (GRCh38, 1-based): chr4:168,894,606, C>G. VCF-style: chr4-168894606-C-G. GRCh37 (hg19) VCF-style: chr4-169815757-C-G.
Other names: c.982C>G, p.Arg328Gly (NM_001166109.2); c.667C>G, p.Arg223Gly (NM_001166110.2); c.7C>G, p.Arg3Gly (NM_001367567.1, NM_001367568.1, NM_001367569.1 and 1 more transcripts); c.2128C>G, p.Arg710Gly (NM_016081.4); short protein forms R328G, R3G, R223G, R710G.
Identifiers: ClinVar variation 4844655 (VCV004844655.1).

ClinVar aggregate classification (germline): Uncertain significance (1 of 4 stars; one submission).

gnomAD v4.1: 1 of 1,613,226 alleles (0.000062%); highest among the groups gnomAD compares: South Asian, 0.0011%; no homozygotes.

Submission:

Ambry Genetics
Classification: Uncertain significance. Last evaluated: 2026-02-19. Review status: criteria provided, single submitter. Criteria: Ambry Variant Classification Scheme 2023. Collection method: clinical testing. Allele origin: germline.
Comment: The p.R223G variant (also known as c.667C>G), located in coding exon 3 of the PALLD gene, results from a C to G substitution at nucleotide position 667. The arginine at codon 223 is replaced by glycine, an amino acid with dissimilar properties. This amino acid position is conserved. In addition, this alteration is predicted to be deleterious by in silico analysis. Based on the available evidence, the clinical significance of this variant remains unclear.